The following is an entry in ClinVar:

NM_032043.3(BRIP1):c.1753G>C (p.Ala585Pro)

Gene: BRIP1 (BRCA1 interacting DNA helicase 1; minus strand). Cytogenetic location: 17q23.2.
Variant type: single nucleotide variant.
Coding change: c.1753G>C on transcript NM_032043.3 (MANE Select); coding-DNA position 1753, G replaced by C.
Protein change: p.Ala585Pro; replaces alanine 585 with proline.
Molecular consequence: missense variant.
Genome position (GRCh38, 1-based): chr17:61,780,881, C>G on the plus strand (G>C on the coding strand, the complement: BRIP1 is on the minus strand). VCF-style: chr17-61780881-C-G. GRCh37 (hg19) VCF-style: chr17-59858242-C-G.
Other names: short protein forms A585P.
Identifiers: ClinVar variation 820007 (VCV000820007.16), dbSNP rs1603334364, ClinGen allele CA400480326.

ClinVar aggregate classification (germline): Uncertain significance. Review status: criteria provided, multiple submitters, no conflicts (2 of 4 stars). 2 submissions from 2 submitters: Uncertain significance (2). Last evaluated 2025-04-20.

Conditions:
Familial cancer of breast. Also called: Hereditary breast cancer; hereditary breast carcinoma; BREAST CANCER, FAMILIAL. Identifiers: Orphanet 227535, MedGen C0346153, MONDO:0016419, OMIM 114480. Disease mechanism: loss of function.
Fanconi anemia complementation group J. Also called: BRIP1-Related Fanconi Anemia. Identifiers: Orphanet 84, MedGen C1836860, MONDO:0012187, OMIM 609054.
Hereditary cancer-predisposing syndrome. Also called: Hereditary Cancer Syndrome; Neoplastic Syndromes, Hereditary; Hereditary neoplastic syndrome; Tumor predisposition. Identifiers: Orphanet 140162, MedGen C0027672, MeSH D009386, MONDO:0015356.

Submissions (2):

Ambry Genetics
Classification: Uncertain significance for Hereditary cancer-predisposing syndrome. Last evaluated: 2025-04-20. Review status: criteria provided, single submitter. Criteria: Ambry Variant Classification Scheme 2023. Collection method: clinical testing. Allele origin: germline.
Comment: The p.A585P variant (also known as c.1753G>C), located in coding exon 11 of the BRIP1 gene, results from a G to C substitution at nucleotide position 1753. The alanine at codon 585 is replaced by proline, an amino acid with highly similar properties. This amino acid position is not well conserved in available vertebrate species. In addition, this alteration is predicted to be tolerated by in silico analysis. Since supporting evidence is limited at this time, the clinical significance of this alteration remains unclear.

Labcorp Genetics (formerly Invitae), Labcorp
Classification: Uncertain significance for Familial cancer of breast; Fanconi anemia complementation group J. Last evaluated: 2023-06-22. Review status: criteria provided, single submitter. Criteria: Invitae Variant Classification Sherloc (09022015). Collection method: clinical testing. Allele origin: germline.
Comment: In summary, the available evidence is currently insufficient to determine the role of this variant in disease. Therefore, it has been classified as a Variant of Uncertain Significance. Advanced modeling of protein sequence and biophysical properties (such as structural, functional, and spatial information, amino acid conservation, physicochemical variation, residue mobility, and thermodynamic stability) performed at Invitae indicates that this missense variant is not expected to disrupt BRIP1 protein function. ClinVar contains an entry for this variant (Variation ID: 820007). This variant has not been reported in the literature in individuals affected with BRIP1-related conditions. This variant is not present in population databases (gnomAD no frequency). This sequence change replaces alanine, which is neutral and non-polar, with proline, which is neutral and non-polar, at codon 585 of the BRIP1 protein (p.Ala585Pro).